The following is an entry in ClinVar:

ClinVar aggregate classification (germline): Uncertain significance (1 of 4 stars; one submission).

Conditions:
Inborn genetic diseases. Identifiers: MedGen C0950123, MeSH D030342.

Submission:

Ambry Genetics
Classification: Uncertain significance for Inborn genetic diseases. Last evaluated: 2026-08-09. Review status: criteria provided, single submitter. Criteria: Ambry Variant Classification Scheme 2023. Collection method: clinical testing. Allele origin: germline.
Comment: The p.K222N variant (also known as c.666G>C), located in coding exon 6 of the PAX5 gene, results from a G to C substitution at nucleotide position 666. The lysine at codon 222 is replaced by asparagine, an amino acid with similar properties. This amino acid position is conserved. In addition, the in silico prediction for this alteration is inconclusive. Based on the available evidence, the clinical significance of this variant remains unclear.

NM_016734.3(PAX5):c.666G>C (p.Lys222Asn)

Gene: PAX5 (paired box 5; minus strand). Cytogenetic location: 9p13.2.
Variant type: single nucleotide variant.
Coding change: c.666G>C on transcript NM_016734.3 (MANE Select); coding-DNA position 666, G replaced by C.
Protein change: p.Lys222Asn; replaces lysine 222 with asparagine.
Molecular consequence: missense variant. On other transcripts: non-coding transcript variant (2).
Genome position (GRCh38, 1-based): chr9:36,966,663, C>G on the plus strand (G>C on the coding strand, the complement: PAX5 is on the minus strand). VCF-style: chr9-36966663-C-G. GRCh37 (hg19) VCF-style: chr9-36966660-C-G.
Other names: c.666G>C, p.Lys222Asn (NM_001280549.2, NM_001280550.2, NM_001280552.2 and 2 more transcripts); c.342G>C, p.Lys114Asn (NM_001280551.2, NM_001280556.2); c.537G>C, p.Lys179Asn (NM_001280553.2, NM_001280554.2); c.468G>C, p.Lys156Asn (NM_001280555.2); short protein forms K114N, K156N, K179N, K222N.
Identifiers: ClinVar variation 5026312 (VCV005026312.1).